The following is an entry in ClinVar:

NM_138615.3(DHX30):c.1130G>A (p.Arg377Gln)

Gene: DHX30 (DExH-box helicase 30; plus strand). Cytogenetic location: 3p21.31.
Variant type: single nucleotide variant.
Coding change: c.1130G>A on transcript NM_138615.3 (MANE Select); coding-DNA position 1130, G replaced by A.
Protein change: p.Arg377Gln; replaces arginine 377 with glutamine.
Molecular consequence: missense variant.
Genome position (GRCh38, 1-based): chr3:47,846,202, G>A. VCF-style: chr3-47846202-G-A. GRCh37 (hg19) VCF-style: chr3-47887692-G-A.
Other names: c.1046G>A, p.Arg349Gln (NM_001330990.2); c.1013G>A, p.Arg338Gln (NM_014966.4); short protein forms R338Q, R349Q, R377Q.
Identifiers: ClinVar variation 4885424 (VCV004885424.2).

ClinVar aggregate classification (germline): Uncertain significance (1 of 4 stars; one submission).

gnomAD v4.1: 4 of 1,613,960 alleles (0.00025%); highest among the groups gnomAD compares: East Asian, 0.0022%; no homozygotes.

Submission:

Dasa
Classification: Uncertain significance. Last evaluated: 2025-08-19. Review status: criteria provided, single submitter. Criteria: DASA Assertion Criteria. Collection method: clinical testing. Allele origin: germline.
Comment: NM_138615.3(DHX30):c.1130G>A (p.Arg377Gln) is a missense variant that results in the substitution of arginine with glutamine. This variant is absent from population databases. Computational prediction algorithms are consistent with a benign effect. The currently available literature and clinical evidence are not sufficient to establish a definitive association between this variant and the reported condition. Therefore, this variant is classified as a variant of uncertain significance.